The following is an entry in ClinVar:

ClinVar aggregate classification (germline): Uncertain significance (1 of 4 stars; one submission).

Submission:

Labcorp Genetics (formerly Invitae), Labcorp
Classification: Uncertain significance. Last evaluated: 2025-10-07. Review status: criteria provided, single submitter. Criteria: Invitae Variant Classification Sherloc (09022015). Collection method: clinical testing. Allele origin: germline.
Comment: This sequence change replaces methionine, which is neutral and non-polar, with threonine, which is neutral and polar, at codon 172 of the RORB protein (p.Met172Thr). This variant is not present in population databases (gnomAD no frequency). This variant has not been reported in the literature in individuals affected with RORB-related conditions. An algorithm developed to predict the effect of missense changes on protein structure and function (PolyPhen-2) suggests that this variant is likely to be tolerated. In summary, the available evidence is currently insufficient to determine the role of this variant in disease. Therefore, it has been classified as a Variant of Uncertain Significance.

NM_006914.4(RORB):c.515T>C (p.Met172Thr)

Gene: RORB (RAR related orphan receptor B; plus strand). Cytogenetic location: 9q21.13.
Variant type: single nucleotide variant.
Coding change: c.515T>C on transcript NM_006914.4 (MANE Select); coding-DNA position 515, T replaced by C.
Protein change: p.Met172Thr; replaces methionine 172 with threonine.
Molecular consequence: missense variant.
Genome position (GRCh38, 1-based): chr9:74,642,693, T>C. VCF-style: chr9-74642693-T-C. GRCh37 (hg19) VCF-style: chr9-77257609-T-C.
Other names: c.548T>C, p.Met183Thr (NM_001365023.1); short protein forms M183T, M172T.
Identifiers: ClinVar variation 4773732 (VCV004773732.1).